The following is an entry in ClinVar:

ClinVar aggregate classification (germline): Uncertain significance. Review status: criteria provided, multiple submitters, no conflicts (2 of 4 stars). 3 submissions from 3 submitters: Uncertain significance (3). Last evaluated 2024-11-04.

Conditions:
Cardiovascular phenotype. Identifiers: MedGen CN230736.
Arrhythmogenic right ventricular cardiomyopathy (ARVD). Also called: Cardiomyopathy, ARVC; Arrhythmogenic right ventricular dysplasia; Arrhythmogenic cardiomyopathy; Arrhythmogenic Right Ventricular Cardiomyopathy (ARVC). Identifiers: Orphanet 247, MedGen C0349788, MeSH D019571, MONDO:0016587. Disease mechanism: loss of function. Inheritance: Various modes of inheritance.
Arrhythmogenic right ventricular dysplasia 10. Also called: Arrhythmogenic Right Ventricular Dysplasia/Cardiomyopathy10; ARRHYTHMOGENIC RIGHT VENTRICULAR DYSPLASIA, FAMILIAL, 10; Arrhythmogenic right ventricular dysplasia/cardiomyopathy, type 10. Identifiers: MedGen C1857777, MONDO:0012434, OMIM 610193.

Allele frequency attached by ClinVar (database versions not stated): gnomAD exomes below 0.00001.
gnomAD v4.1: 2 of 1,614,204 alleles (0.00012%); highest among the groups gnomAD compares: South Asian, 0.0022%; no homozygotes.

Submissions (3):

Labcorp Genetics (formerly Invitae), Labcorp
Classification: Uncertain significance for Arrhythmogenic right ventricular dysplasia 10. Last evaluated: 2024-11-04. Review status: criteria provided, single submitter. Criteria: Invitae Variant Classification Sherloc (09022015). Collection method: clinical testing. Allele origin: germline.
Comment: This sequence change replaces leucine, which is neutral and non-polar, with serine, which is neutral and polar, at codon 44 of the DSG2 protein (p.Leu44Ser). This variant is present in population databases (no rsID available, gnomAD 0.003%). This variant has not been reported in the literature in individuals affected with DSG2-related conditions. ClinVar contains an entry for this variant (Variation ID: 1769878). Invitae Evidence Modeling of protein sequence and biophysical properties (such as structural, functional, and spatial information, amino acid conservation, physicochemical variation, residue mobility, and thermodynamic stability) indicates that this missense variant is not expected to disrupt DSG2 protein function with a negative predictive value of 95%. In summary, the available evidence is currently insufficient to determine the role of this variant in disease. Therefore, it has been classified as a Variant of Uncertain Significance.

All of Us Research Program, National Institutes of Health
Classification: Uncertain significance for Arrhythmogenic right ventricular cardiomyopathy. Last evaluated: 2023-08-08. Review status: criteria provided, single submitter. Criteria: ACMG Guidelines, 2015. Collection method: clinical testing. Allele origin: germline. Inheritance: Autosomal dominant inheritance. Observed: 1 variant allele, 1 heterozygote.
Comment: This missense variant replaces leucine with serine at codon 44 of the DSG2 protein. Computational prediction suggests that this variant may not impact protein structure and function (internally defined REVEL score threshold <= 0.5, PMID: 27666373). To our knowledge, functional studies have not been reported for this variant. This variant has not been reported in individuals affected with DSG2-related disorders in the literature. This variant has been identified in 1/249496 chromosomes in the general population by the Genome Aggregation Database (gnomAD). The available evidence is insufficient to determine the role of this variant in disease conclusively. Therefore, this variant is classified as a Variant of Uncertain Significance.

This study involves interpretation of variants in research participants for the purpose of population health screening. Participant phenotype was not available at the time of variant classification. Additional details can be found in publication PMID: 35346344, PMCID: PMC8962531

Ambry Genetics
Classification: Uncertain significance for Cardiovascular phenotype. Last evaluated: 2021-05-28. Review status: criteria provided, single submitter. Criteria: Ambry Variant Classification Scheme 2023. Collection method: clinical testing. Allele origin: germline.
Comment: The p.L44S variant (also known as c.131T>C), located in coding exon 3 of the DSG2 gene, results from a T to C substitution at nucleotide position 131. The leucine at codon 44 is replaced by serine, an amino acid with dissimilar properties. This amino acid position is well conserved in available vertebrate species; however, serine is the reference amino acid in other vertebrate species. In addition, this alteration is predicted to be tolerated by in silico analysis. Since supporting evidence is limited at this time, the clinical significance of this alteration remains unclear.

NM_001943.5(DSG2):c.131T>C (p.Leu44Ser)

Gene: DSG2 (desmoglein 2; plus strand). Cytogenetic location: 18q12.1.
Variant type: single nucleotide variant.
Coding change: c.131T>C on transcript NM_001943.5 (MANE Select); coding-DNA position 131, T replaced by C.
Protein change: p.Leu44Ser; replaces leucine 44 with serine.
Molecular consequence: missense variant.
Genome position (GRCh38, 1-based): chr18:31,519,852, T>C. VCF-style: chr18-31519852-T-C. GRCh37 (hg19) VCF-style: chr18-29099815-T-C.
Other names: short protein forms L44S.
Identifiers: ClinVar variation 1769878 (VCV001769878.4), dbSNP rs1444430421, ClinGen allele CA402130737.